The following is an entry in ClinVar:

NM_001199138.2(NLRC4):c.2-212C>T

Gene: NLRC4 (NLR family CARD domain containing 4; minus strand). Cytogenetic location: 2p22.3.
Variant type: single nucleotide variant.
Coding change: c.2-212C>T on transcript NM_001199138.2 (MANE Select); 212 bases into the intron before coding-DNA position 2, C replaced by T.
Molecular consequence: intron variant.
Genome position (GRCh38, 1-based): chr2:32,252,891, G>A on the plus strand (C>T on the coding strand, the complement: NLRC4 is on the minus strand). VCF-style: chr2-32252891-G-A. GRCh37 (hg19) VCF-style: chr2-32477960-G-A.
Other names: c.2-212C>T (NM_001302504.1, NM_021209.4, NM_001199139.1).
Identifiers: ClinVar variation 103077 (VCV000103077.2), dbSNP rs199476292, ClinGen allele CA230086.

ClinVar aggregate classification (germline): not provided (0 of 4 stars; one submission).

Allele frequency attached by ClinVar (database versions not stated): 1000 Genomes Project 0.00240; gnomAD 0.00356 and 0.00346; 1000 Genomes Project 30x 0.00187.
gnomAD v4.1: 518 of 152,020 alleles (0.34%); highest among the groups gnomAD compares: Non-Finnish European, 0.49%; 2 homozygotes.

Submission:

Human Evolutionary Genetics, Institut Pasteur
No classification provided. Review status: no classification provided. Collection method: not provided. Allele origin: germline.
ClinVar note: Converted during submission from untested to not provided.